The following is an entry in ClinVar:

NM_000238.4(KCNH2):c.1181del (p.Arg394fs)

Gene: KCNH2 (potassium voltage-gated channel subfamily H member 2; minus strand). Cytogenetic location: 7q36.1.
Variant type: Deletion.
Coding change: c.1181del on transcript NM_000238.4 (MANE Select); coding-DNA position 1181, one base deleted (G; older notation c.1181delG).
Protein change: p.Arg394fs; shifts the reading frame from arginine 394.
Molecular consequence: frameshift variant. On other transcripts: non-coding transcript variant (2).
Genome position (GRCh38, 1-based): chr7:150,952,801, C deleted on the plus strand (G on the coding strand, the reverse complement: KCNH2 is on the minus strand). VCF-style (leftmost placement, unchanged base first): chr7-150952800-GC-G. GRCh37 (hg19) VCF-style: chr7-150649888-GC-G.
Other names: c.161del, p.Arg54fs (NM_001204798.2, NM_172057.3); c.893del, p.Arg298fs (NM_001406753.1, NM_001406756.1); c.1004del, p.Arg335fs (NM_001406755.1); c.881del, p.Arg294fs (NM_001406757.1); c.1181del, p.Arg394fs (NM_172056.3); short protein forms R298fs, R394fs, R335fs, R294fs, R54fs.
Identifiers: ClinVar variation 2760013 (VCV002760013.3), dbSNP rs2486050693, ClinGen allele CA2697549699.

ClinVar aggregate classification (germline): Pathogenic (1 of 4 stars; one submission).

Conditions:
Long QT syndrome (LQTS). Identifiers: MedGen C0023976, MeSH D008133, MONDO:0002442. Disease mechanism: loss of function. Inheritance: Various modes of inheritance.

Submission:

Labcorp Genetics (formerly Invitae), Labcorp
Classification: Pathogenic for Long QT syndrome. Last evaluated: 2026-01-10. Review status: criteria provided, single submitter. Criteria: Invitae Variant Classification Sherloc (09022015). Collection method: clinical testing. Allele origin: germline.
Comment: This sequence change creates a premature translational stop signal (p.Arg394Profs*40) in the KCNH2 gene. It is expected to result in an absent or disrupted protein product. Loss-of-function variants in KCNH2 are known to be pathogenic (PMID: 10973849, 19862833). This variant is not present in population databases (gnomAD no frequency). This variant has not been reported in the literature in individuals affected with KCNH2-related conditions. ClinVar contains an entry for this variant (Variation ID: 2760013). For these reasons, this variant has been classified as Pathogenic.

Literature cited by the submitters: PubMed 10973849; PubMed 19862833.